The following is an entry in ClinVar:

ClinVar aggregate classification (germline): Uncertain significance (1 of 4 stars; one submission).

Conditions:
Glycogen storage disease IXb (GSD9B). Also called: GLYCOGENOSIS OF LIVER AND MUSCLE, AUTOSOMAL RECESSIVE; GSD IXb; PHOSPHORYLASE KINASE DEFICIENCY OF LIVER AND MUSCLE, AUTOSOMAL RECESSIVE. Identifiers: Orphanet 79240, MedGen C0543514, MONDO:0009868, OMIM 261750.

Submission:

Labcorp Genetics (formerly Invitae), Labcorp
Classification: Uncertain significance for Glycogen storage disease IXb. Last evaluated: 2022-07-02. Review status: criteria provided, single submitter. Criteria: Invitae Variant Classification Sherloc (09022015). Collection method: clinical testing. Allele origin: germline.
Comment: This sequence change creates a premature translational stop signal (p.Gln1048Metfs*3) in the PHKB gene. While this is not anticipated to result in nonsense mediated decay, it is expected to disrupt the last 46 amino acid(s) of the PHKB protein. This variant is present in population databases (rs778012017, gnomAD 0.003%). This variant has not been reported in the literature in individuals affected with PHKB-related conditions. Experimental studies and prediction algorithms are not available or were not evaluated, and the functional significance of this variant is currently unknown. In summary, the available evidence is currently insufficient to determine the role of this variant in disease. Therefore, it has been classified as a Variant of Uncertain Significance.

NM_000293.3(PHKB):c.3141_3144del (p.Gln1048fs)

Gene: PHKB (phosphorylase kinase regulatory subunit beta; plus strand). Cytogenetic location: 16q12.1.
Variant type: Deletion.
Coding change: c.3141_3144del on transcript NM_000293.3 (MANE Select); coding-DNA positions 3141 to 3144, 4 bases deleted (ACAA; older notation c.3141_3144delACAA).
Protein change: p.Gln1048fs; shifts the reading frame from glutamine 1048.
Molecular consequence: frameshift variant.
Genome position (GRCh38, 1-based): chr16:47,698,585-47,698,588, ACAA deleted; deleting any 4 consecutive bases within chr16:47,698,583-47,698,588 gives the same sequence; the c. name uses the placement nearest the transcript's 3' end. VCF-style (leftmost placement, unchanged base first): chr16-47698582-AAAAC-A. GRCh37 (hg19) VCF-style: chr16-47732493-AAAAC-A.
Other names: c.3120_3123del, p.Gln1041fs (NM_001031835.3); c.3141_3144del, p.Gln1048fs (NM_001363837.1); short protein forms Q1048fs, Q1041fs.
Identifiers: ClinVar variation 2143784 (VCV002143784.1), dbSNP rs778012017, ClinGen allele CA8041440.